The following is an entry in ClinVar:

ClinVar aggregate classification (germline): Conflicting classifications of pathogenicity. Review status: criteria provided, conflicting classifications (1 of 4 stars). 9 submissions from 9 submitters: Uncertain significance (1); Benign (3); Likely benign (4). 1 of the submissions does not count toward it. Last evaluated 2025-12-20.

Conditions:
Hereditary cancer-predisposing syndrome. Also called: Hereditary Cancer Syndrome; Tumor predisposition; Neoplastic Syndromes, Hereditary; Hereditary neoplastic syndrome. Identifiers: Orphanet 140162, MedGen C0027672, MeSH D009386, MONDO:0015356.
Tuberous sclerosis syndrome (TSC). Also called: Tuberous Sclerosis Complex; Tuberous sclerosis. Identifiers: Orphanet 805, MedGen C0041341, MONDO:0001734.
Tuberous sclerosis 2 (TSC2). Identifiers: Orphanet 805, MedGen C1860707, MONDO:0013199, OMIM 613254.

Allele frequency attached by ClinVar (database versions not stated): TOPMed 0.00006; 1000 Genomes Project 30x 0.00016; 1000 Genomes Project 0.00020; gnomAD exomes 0.00003; gnomAD 0.00004; ExAC 0.00003.
gnomAD v4.1: 44 of 1,611,954 alleles (0.0027%); highest among the groups gnomAD compares: East Asian, 0.0067%; no homozygotes.

Submissions (9):

Labcorp Genetics (formerly Invitae), Labcorp
Classification: Benign for Tuberous sclerosis 2. Last evaluated: 2025-12-20. Review status: criteria provided, single submitter. Criteria: Invitae Variant Classification Sherloc (09022015). Collection method: clinical testing. Allele origin: germline.

CeGaT Center for Human Genetics Tuebingen
Classification: Likely benign. Last evaluated: 2025-07-01. Review status: criteria provided, single submitter. Criteria: CeGaT Center For Human Genetics Tuebingen Variant Classification Criteria Version 2. Collection method: clinical testing. Allele origin: germline. Affected: yes. Observed: 3 variant alleles.
Comment: TSC2: BP4

St. Jude Molecular Pathology, St. Jude Children's Research Hospital
Classification: Uncertain significance for Tuberous sclerosis 2. Last evaluated: 2025-06-17. Review status: criteria provided, single submitter. Criteria: St. Jude Assertion Criteria 2020. Collection method: clinical testing. Allele origin: germline.
Comment: The TSC2 c.3871G>A p.(Val1291Ile) missense change has a maximum subpopulation frequency of 0.0065% in gnomAD v2.1.1. The in silico tool REVEL is inconclusive about a pathogenic or benign effect of this variant on protein function, and to our knowledge functional studies have not been performed. To our knowledge, this variant has not been reported in individuals with tuberous sclerosis complex. In summary, the evidence currently available is insufficient to determine the clinical significance of this variant. It has therefore been classified as of uncertain significance.

Myriad Genetics, Inc.
Classification: Likely benign for Tuberous sclerosis 2. Last evaluated: 2025-05-30. Review status: criteria provided, single submitter. Criteria: Myriad Autosomal Dominant, Autosomal Recessive and X-Linked Classification Criteria (2023). Collection method: clinical testing. Allele origin: unknown.
Comment: This variant is considered likely benign. This variant has been observed at a population frequency that is significantly greater than expected given the associated disease prevalence and penetrance.

Color Diagnostics, LLC DBA Color Health
Classification: Likely benign for Tuberous sclerosis syndrome. Last evaluated: 2022-10-04. Review status: criteria provided, single submitter. Criteria: ACMG Guidelines, 2015. Collection method: clinical testing. Allele origin: germline.

Genome-Nilou Lab
Classification: Benign for Tuberous sclerosis 2. Last evaluated: 2021-11-07. Review status: criteria provided, single submitter. Criteria: ACMG Guidelines, 2015. Collection method: clinical testing. Allele origin: germline. Affected: no.

GeneDx
Classification: Likely benign. Last evaluated: 2021-04-29. Review status: criteria provided, single submitter. Criteria: GeneDx Variant Classification Process June 2021. Collection method: clinical testing. Allele origin: germline. Affected: yes.
Comment: This variant is associated with the following publications: (PMID: 26703369)

Ambry Genetics
Classification: Benign for Hereditary cancer-predisposing syndrome. Last evaluated: 2018-06-01. Review status: criteria provided, single submitter. Criteria: Ambry Variant Classification Scheme 2023. Collection method: clinical testing. Allele origin: germline.

Tuberous sclerosis database (TSC2)
No classification provided. Condition: TSC. Review status: no classification provided. Criteria: Tuberous Sclerosis Database Assertion Criteria 2015. Collection method: curation. Allele origin: germline. Affected: yes. Not counted in ClinVar's aggregate classification.

NM_000548.5(TSC2):c.3871G>A (p.Val1291Ile)

Gene: TSC2 (TSC complex subunit 2; plus strand). Cytogenetic location: 16p13.3.
Variant type: single nucleotide variant.
Coding change: c.3871G>A on transcript NM_000548.5 (MANE Select); coding-DNA position 3871, G replaced by A.
Protein change: p.Val1291Ile; replaces valine 1291 with isoleucine.
Molecular consequence: missense variant. On other transcripts: intron variant (6).
Genome position (GRCh38, 1-based): chr16:2,082,492, G>A. VCF-style: chr16-2082492-G-A. GRCh37 (hg19) VCF-style: chr16-2132493-G-A.
Other names: p.V1291I:GTT>ATT; c.3139G>A, p.Val1047Ile (NM_001318831.2); c.3739G>A, p.Val1247Ile (NM_001370404.1); c.3742G>A, p.Val1248Ile (NM_001370405.1, NM_021055.3); c.3814+694G>A (NM_001114382.3); c.3685+694G>A (NM_001363528.2); c.3682+694G>A (NM_001077183.3); c.3574+694G>A (NM_001318827.2); and 2 more; short protein forms V1291I, V1248I, V1047I, V1247I.
Identifiers: ClinVar variation 64847 (VCV000064847.53), dbSNP rs201135184, ClinGen allele CA019604.